The following is an entry in ClinVar:

ClinVar aggregate classification (germline): Uncertain significance (1 of 4 stars; one submission).

Conditions:
Inborn genetic diseases. Identifiers: MedGen C0950123, MeSH D030342.

Submission:

Ambry Genetics
Classification: Uncertain significance for Inborn genetic diseases. Last evaluated: 2026-02-13. Review status: criteria provided, single submitter. Criteria: Ambry Variant Classification Scheme 2023. Collection method: clinical testing. Allele origin: germline.
Comment: The p.L525W variant (also known as c.1574T>G), located in coding exon 17 of the RTEL1 gene, results from a T to G substitution at nucleotide position 1574. The leucine at codon 525 is replaced by tryptophan, an amino acid with similar properties. This amino acid position is conserved. In addition, this alteration is predicted to be deleterious by in silico analysis. Based on the available evidence, the clinical significance of this variant remains unclear.

NM_001283009.2(RTEL1):c.1574T>G (p.Leu525Trp)

Genes: RTEL1 (regulator of telomere elongation helicase 1; plus strand), RTEL1-TNFRSF6B (RTEL1-TNFRSF6B readthrough (NMD candidate); plus strand). Cytogenetic location: 20q13.33.
Variant type: single nucleotide variant.
Coding change: c.1574T>G on transcript NM_001283009.2 (MANE Select); coding-DNA position 1574, T replaced by G.
Protein change: p.Leu525Trp; replaces leucine 525 with tryptophan.
Molecular consequence: missense variant. On other transcripts: non-coding transcript variant (1).
Genome position (GRCh38, 1-based): chr20:63,688,029, T>G. VCF-style: chr20-63688029-T-G. GRCh37 (hg19) VCF-style: chr20-62319382-T-G.
Other names: c.905T>G, p.Leu302Trp (NM_001283010.1); c.1574T>G, p.Leu525Trp (NM_016434.4); c.1646T>G, p.Leu549Trp (NM_032957.5); short protein forms L302W, L549W, L525W.
Identifiers: ClinVar variation 4825674 (VCV004825674.1).